The following is an entry in ClinVar:

ClinVar aggregate classification (germline): Uncertain significance. Review status: criteria provided, multiple submitters, no conflicts (2 of 4 stars). 3 submissions from 3 submitters: Uncertain significance (3). Last evaluated 2025-05-16.

Conditions:
Generalized epilepsy-paroxysmal dyskinesia syndrome (PNKD3). Also called: Generalized epilepsy and paroxysmal dyskinesia; Paroxysmal nonkinesigenic dyskinesia, 3, with or without generalized epilepsy. Identifiers: Orphanet 79137, MedGen C5574945, MONDO:0012276, OMIM 609446.

Allele frequency attached by ClinVar (database versions not stated): gnomAD exomes below 0.00001; ExAC 0.00001.
gnomAD v4.1: 2 of 1,613,976 alleles (0.00012%); highest among the groups gnomAD compares: Non-Finnish European, 0.000085%; no homozygotes.

Submissions (3):

Revvity Omics, Revvity
Classification: Uncertain significance. Last evaluated: 2025-05-16. Review status: criteria provided, single submitter. Criteria: ACMG Guidelines, 2015. Collection method: clinical testing. Allele origin: germline.

Labcorp Genetics (formerly Invitae), Labcorp
Classification: Uncertain significance for Generalized epilepsy-paroxysmal dyskinesia syndrome. Last evaluated: 2022-08-13. Review status: criteria provided, single submitter. Criteria: Invitae Variant Classification Sherloc (09022015). Collection method: clinical testing. Allele origin: germline.
Comment: Algorithms developed to predict the effect of missense changes on protein structure and function (SIFT, PolyPhen-2, Align-GVGD) all suggest that this variant is likely to be disruptive. In summary, the available evidence is currently insufficient to determine the role of this variant in disease. Therefore, it has been classified as a Variant of Uncertain Significance. This variant has not been reported in the literature in individuals affected with KCNMA1-related conditions. This variant is present in population databases (rs753964361, gnomAD 0.01%). This sequence change replaces arginine, which is basic and polar, with tryptophan, which is neutral and slightly polar, at codon 1003 of the KCNMA1 protein (p.Arg1003Trp).

Blueprint Genetics
Classification: Uncertain significance. Last evaluated: 2019-03-08. Review status: criteria provided, single submitter. Criteria: ACMG Guidelines, 2015. Collection method: clinical testing. Allele origin: germline.

NM_001161352.2(KCNMA1):c.3181C>T (p.Arg1061Trp)

Genes: KCNMA1 (potassium calcium-activated channel subfamily M alpha 1; minus strand), KCNMA1-AS1 (KCNMA1 antisense RNA 1; plus strand). Cytogenetic location: 10q22.3.
Variant type: single nucleotide variant.
Coding change: c.3181C>T on transcript NM_001161352.2 (MANE Select); coding-DNA position 3181, C replaced by T.
Protein change: p.Arg1061Trp; replaces arginine 1061 with tryptophan.
Molecular consequence: missense variant.
Genome position (GRCh38, 1-based): chr10:76,891,686, G>A on the plus strand (C>T on the coding strand, the complement: KCNMA1 is on the minus strand). VCF-style: chr10-76891686-G-A. GRCh37 (hg19) VCF-style: chr10-78651444-G-A.
Other names: c.3019C>T, p.Arg1007Trp (NM_001014797.3); c.3130C>T, p.Arg1044Trp (NM_001161353.2); c.2857C>T, p.Arg953Trp (NM_001271518.2); c.3097C>T, p.Arg1033Trp (NM_001271519.2); c.3016C>T, p.Arg1006Trp (NM_001322829.2, NM_001322836.2); c.3109C>T, p.Arg1037Trp (NM_001322830.2); c.3007C>T, p.Arg1003Trp (NM_001322832.2, NM_001410940.1, NM_002247.4); c.3100C>T, p.Arg1034Trp (NM_001322835.2, NM_001322837.2); and 1 more; short protein forms R1003W, R1044W, R1061W, R1007W, R953W, R1006W, R1033W, R1034W.
Identifiers: ClinVar variation 2193592 (VCV002193592.6), dbSNP rs753964361, ClinGen allele CA5567888.